The following is an entry in ClinVar:

NM_001018005.2(TPM1):c.783C>T (p.Tyr261=)

Gene: TPM1 (tropomyosin 1; plus strand). Cytogenetic location: 15q22.2.
Variant type: single nucleotide variant.
Coding change: c.783C>T on transcript NM_001018005.2 (MANE Select); coding-DNA position 783, C replaced by T.
Protein change: p.Tyr261=; no amino-acid change (tyrosine 261 retained).
Molecular consequence: synonymous variant. On other transcripts: intron variant (12).
Genome position (GRCh38, 1-based): chr15:63,064,074, C>T. VCF-style: chr15-63064074-C-T. GRCh37 (hg19) VCF-style: chr15-63356273-C-T.
Other names: c.783C>T, p.Tyr261= (NM_000366.6, NM_001301244.2, NM_001365779.1); c.675C>T, p.Tyr225= (NM_001330346.2, NM_001365781.2, NM_001365782.1); c.898+1429C>T (NM_001365778.1); c.772+1429C>T (NM_001018020.2, NM_001018007.2, NM_001018006.2 and 3 more transcripts); c.664+1429C>T (NM_001330351.2, NM_001330344.2, NM_001018008.2 and 2 more transcripts).
Identifiers: ClinVar variation 389247 (VCV000389247.16), dbSNP rs751001221, ClinGen allele CA032008.

ClinVar aggregate classification (germline): Likely benign. Review status: criteria provided, multiple submitters, no conflicts (2 of 4 stars). 7 submissions from 7 submitters: Likely benign (7). Last evaluated 2026-02-01.

Conditions:
Cardiovascular phenotype. Identifiers: MedGen CN230736.
Cardiomyopathy (CMYO). Also called: Cardiomyopathies. Identifiers: Orphanet 167848, MedGen C0878544, MONDO:0004994, HP:0001638. Inheritance: Various modes of inheritance.
Hypertrophic cardiomyopathy. Also called: HYPERTROPHIC MYOCARDIOPATHY. Identifiers: Orphanet 217569, MedGen C0007194, MeSH D002312, MONDO:0005045, HP:0001639.
Dilated cardiomyopathy 1Y (CMD1Y). Identifiers: Orphanet 154, Orphanet 54260, MedGen C2678476, MONDO:0012744, OMIM 611878.
Hypertrophic cardiomyopathy 3. Also called: TPM1-Related Familial Hypertrophic Cardiomyopathy. Identifiers: MedGen C1861863, MONDO:0007267, OMIM 115196.

Allele frequency attached by ClinVar (database versions not stated): gnomAD exomes below 0.00001 and 0.00002; TOPMed 0.00002; ExAC 0.00003; gnomAD 0.00003 and 0.00004.
gnomAD v4.1: 10 of 1,613,886 alleles (0.00062%); highest among the groups gnomAD compares: African/African-American, 0.004%; no homozygotes.

Submissions (7):

Labcorp Genetics (formerly Invitae), Labcorp
Classification: Likely benign for Hypertrophic cardiomyopathy. Last evaluated: 2026-02-01. Review status: criteria provided, single submitter. Criteria: Invitae Variant Classification Sherloc (09022015). Collection method: clinical testing. Allele origin: germline.

All of Us Research Program, National Institutes of Health
Classification: Likely benign for Hypertrophic cardiomyopathy. Last evaluated: 2024-09-16. Review status: criteria provided, single submitter. Criteria: ACMG Guidelines, 2015. Collection method: clinical testing. Allele origin: germline. Inheritance: Autosomal dominant inheritance. Observed: 4 variant alleles, 4 heterozygotes.
Comment: This study involves interpretation of variants in research participants for the purpose of population health screening. Participant phenotype was not available at the time of variant classification. Additional details can be found in publication PMID: 35346344, PMCID: PMC8962531

Fulgent Genetics
Classification: Likely benign for Hypertrophic cardiomyopathy 3; Dilated cardiomyopathy 1Y. Last evaluated: 2021-08-09. Review status: criteria provided, single submitter. Criteria: ACMG Guidelines, 2015. Collection method: clinical testing. Allele origin: unknown.

Ambry Genetics
Classification: Likely benign for Cardiovascular phenotype. Last evaluated: 2020-03-11. Review status: criteria provided, single submitter. Criteria: Ambry Variant Classification Scheme 2023. Collection method: clinical testing. Allele origin: germline.

Color Diagnostics, LLC DBA Color Health
Classification: Likely benign for Cardiomyopathy. Last evaluated: 2019-11-05. Review status: criteria provided, single submitter. Criteria: ACMG Guidelines, 2015. Collection method: clinical testing. Allele origin: germline.

GeneDx
Classification: Likely benign. Last evaluated: 2016-09-07. Review status: criteria provided, single submitter. Criteria: GeneDx Variant Classification (06012015). Collection method: clinical testing. Allele origin: germline. Affected: yes.
Comment: This variant is considered likely benign or benign based on one or more of the following criteria: it is a conservative change, it occurs at a poorly conserved position in the protein, it is predicted to be benign by multiple in silico algorithms, and/or has population frequency not consistent with disease.

Breakthrough Genomics
Classification: Likely benign. Review status: criteria provided, single submitter. Criteria: ACMG Guidelines, 2015. Collection method: not provided. Allele origin: germline. Inheritance: Autosomal dominant inheritance. Affected: yes.